The following is an entry in ClinVar:

ClinVar aggregate classification (germline): Uncertain significance (1 of 4 stars; one submission).

Submission:

Labcorp Genetics (formerly Invitae), Labcorp
Classification: Uncertain significance. Last evaluated: 2022-01-11. Review status: criteria provided, single submitter. Criteria: Invitae Variant Classification Sherloc (09022015). Collection method: clinical testing. Allele origin: germline.
Comment: In summary, the available evidence is currently insufficient to determine the role of this variant in disease. Therefore, it has been classified as a Variant of Uncertain Significance. Advanced modeling of protein sequence and biophysical properties (such as structural, functional, and spatial information, amino acid conservation, physicochemical variation, residue mobility, and thermodynamic stability) performed at Invitae indicates that this missense variant is not expected to disrupt CPLANE1 protein function. This variant has not been reported in the literature in individuals affected with CPLANE1-related conditions. This variant is not present in population databases (gnomAD no frequency). This sequence change replaces serine, which is neutral and polar, with tyrosine, which is neutral and polar, at codon 1877 of the CPLANE1 protein (p.Ser1877Tyr).

NM_001384732.1(CPLANE1):c.5630C>A (p.Ser1877Tyr)

Gene: CPLANE1 (ciliogenesis and planar polarity effector complex subunit 1; minus strand). Cytogenetic location: 5p13.2.
Variant type: single nucleotide variant.
Coding change: c.5630C>A on transcript NM_001384732.1 (MANE Select); coding-DNA position 5630, C replaced by A.
Protein change: p.Ser1877Tyr; replaces serine 1877 with tyrosine.
Molecular consequence: missense variant.
Genome position (GRCh38, 1-based): chr5:37,180,124, G>T on the plus strand (C>A on the coding strand, the complement: CPLANE1 is on the minus strand). VCF-style: chr5-37180124-G-T. GRCh37 (hg19) VCF-style: chr5-37180226-G-T.
Other names: c.5630C>A, p.Ser1877Tyr (NM_023073.4); short protein forms S1877Y.
Identifiers: ClinVar variation 2047966 (VCV002047966.2), dbSNP rs2547772818, ClinGen allele CA359490191.